The following is an entry in ClinVar:

ClinVar aggregate classification (germline): Likely benign. Review status: criteria provided, multiple submitters, no conflicts (2 of 4 stars). 3 submissions from 3 submitters: Likely benign (3). Last evaluated 2024-04-09.

Allele frequency attached by ClinVar (database versions not stated): ExAC 0.00002; gnomAD exomes 0.00002 and 0.00003; gnomAD 0.00003; TOPMed 0.00004.
gnomAD v4.1: 29 of 1,613,956 alleles (0.0018%); highest among the groups gnomAD compares: Non-Finnish European, 0.0025%; no homozygotes.

Submissions (3):

Blueprint Genetics
Classification: Likely benign. Last evaluated: 2024-04-09. Review status: criteria provided, single submitter. Criteria: ACMG Guidelines, 2015. Collection method: clinical testing. Allele origin: germline.

Labcorp Genetics (formerly Invitae), Labcorp
Classification: Likely benign. Last evaluated: 2024-02-26. Review status: criteria provided, single submitter. Criteria: Invitae Variant Classification Sherloc (09022015). Collection method: clinical testing. Allele origin: germline.

Laboratory for Molecular Medicine, Mass General Brigham Personalized Medicine
Classification: Likely benign. Last evaluated: 2015-06-11. Review status: criteria provided, single submitter. Criteria: LMM Criteria. Collection method: clinical testing. Allele origin: germline. Observed: 2 variant alleles.
Comment: p.Ser125Ser in exon 3 of BSND: This variant is not expected to have clinical sig nificance because it does not alter an amino acid residue and is not located wit hin the splice consensus sequence. It has been identified in 3/66578 of European chromosomes by the Exome Aggregation Consortium (ExAC; dbSNP rs751676380).

NM_057176.3(BSND):c.375T>C (p.Ser125=)

Gene: BSND (barttin CLCNK type accessory subunit beta; plus strand). Cytogenetic location: 1p32.3.
Variant type: single nucleotide variant.
Coding change: c.375T>C on transcript NM_057176.3 (MANE Select); coding-DNA position 375, T replaced by C.
Protein change: p.Ser125=; no amino-acid change (serine 125 retained).
Molecular consequence: synonymous variant.
Genome position (GRCh38, 1-based): chr1:55,007,099, T>C. VCF-style: chr1-55007099-T-C. GRCh37 (hg19) VCF-style: chr1-55472772-T-C.
Identifiers: ClinVar variation 227192 (VCV000227192.13), dbSNP rs751676380, ClinGen allele CA871319.